The following is an entry in ClinVar:

ClinVar aggregate classification (germline): Uncertain significance (1 of 4 stars; one submission).

Conditions:
Hereditary diffuse gastric adenocarcinoma (HDGC). Also called: DIFFUSE GASTRIC AND LOBULAR BREAST CANCER SYNDROME. Identifiers: Orphanet 26106, MedGen C1708349, MONDO:0007648, OMIM 137215.

Submission:

Labcorp Genetics (formerly Invitae), Labcorp
Classification: Uncertain significance for Hereditary diffuse gastric adenocarcinoma. Last evaluated: 2025-09-04. Review status: criteria provided, single submitter. Criteria: Invitae Variant Classification Sherloc (09022015). Collection method: clinical testing. Allele origin: germline.
Comment: This sequence change replaces alanine, which is neutral and non-polar, with valine, which is neutral and non-polar, at codon 359 of the CDH1 protein (p.Ala359Val). This variant is not present in population databases (gnomAD no frequency). This variant has not been reported in the literature in individuals affected with CDH1-related conditions. ClinVar contains an entry for this variant (Variation ID: 1022488). An algorithm developed to predict the effect of missense changes on protein structure and function (PolyPhen-2) suggests that this variant is likely to be disruptive. In summary, the available evidence is currently insufficient to determine the role of this variant in disease. Therefore, it has been classified as a Variant of Uncertain Significance.

NM_004360.5(CDH1):c.1076C>T (p.Ala359Val)

Gene: CDH1 (cadherin 1; plus strand). Cytogenetic location: 16q22.1.
Variant type: single nucleotide variant.
Coding change: c.1076C>T on transcript NM_004360.5 (MANE Select); coding-DNA position 1076, C replaced by T.
Protein change: p.Ala359Val; replaces alanine 359 with valine.
Molecular consequence: missense variant. On other transcripts: 5 prime UTR variant (2).
Genome position (GRCh38, 1-based): chr16:68,812,202, C>T. VCF-style: chr16-68812202-C-T. GRCh37 (hg19) VCF-style: chr16-68846105-C-T.
Other names: c.1076C>T, p.Ala359Val (NM_001317184.2); c.-540C>T (NM_001317185.2); c.-744C>T (NM_001317186.2); short protein forms A359V.
Identifiers: ClinVar variation 1022488 (VCV001022488.9), dbSNP rs1960857478, ClinGen allele CA396460057.